The following is an entry in ClinVar:

ClinVar aggregate classification (germline): Uncertain significance (1 of 4 stars; one submission).

Conditions:
Primary ciliary dyskinesia. Also called: Ciliary dyskinesia. Identifiers: Orphanet 244, MedGen C0008780, MONDO:0016575, HP:0012265.

Allele frequency attached by ClinVar (database versions not stated): gnomAD 0.00011; ExAC 0.00016.
gnomAD v4.1: 92 of 1,562,904 alleles (0.0059%); highest among the groups gnomAD compares: Non-Finnish European, 0.0041%; no homozygotes.

Submission:

Labcorp Genetics (formerly Invitae), Labcorp
Classification: Uncertain significance for Primary ciliary dyskinesia. Last evaluated: 2022-08-16. Review status: criteria provided, single submitter. Criteria: Invitae Variant Classification Sherloc (09022015). Collection method: clinical testing. Allele origin: germline.
Comment: This sequence change affects codon 1216 of the DNAH11 mRNA. It is a 'silent' change, meaning that it does not change the encoded amino acid sequence of the DNAH11 protein. This variant also falls at the last nucleotide of exon 18, which is part of the consensus splice site for this exon. This variant is present in population databases (rs202150841, gnomAD 0.06%). This variant has not been reported in the literature in individuals affected with DNAH11-related conditions. Variants that disrupt the consensus splice site are a relatively common cause of aberrant splicing (PMID: 17576681, 9536098). Algorithms developed to predict the effect of sequence changes on RNA splicing suggest that this variant is not likely to affect RNA splicing. In summary, the available evidence is currently insufficient to determine the role of this variant in disease. Therefore, it has been classified as a Variant of Uncertain Significance.

Literature cited by the submitters: PubMed 17576681; PubMed 9536098.

NM_001277115.2(DNAH11):c.3648G>A (p.Glu1216=)

Gene: DNAH11 (dynein axonemal heavy chain 11; plus strand). Cytogenetic location: 7p15.3.
Variant type: single nucleotide variant.
Coding change: c.3648G>A on transcript NM_001277115.2 (MANE Select); coding-DNA position 3648, G replaced by A.
Protein change: p.Glu1216=; no amino-acid change (glutamic acid 1216 retained).
Molecular consequence: synonymous variant.
Genome position (GRCh38, 1-based): chr7:21,601,618, G>A. VCF-style: chr7-21601618-G-A. GRCh37 (hg19) VCF-style: chr7-21641236-G-A.
Other names: c.3648G>A, p.Glu1216= (NM_003777.3).
Identifiers: ClinVar variation 2151275 (VCV002151275.1), dbSNP rs202150841, ClinGen allele CA4179688.